The following is an entry in ClinVar:

ClinVar aggregate classification (germline): Uncertain significance. Review status: criteria provided, multiple submitters, no conflicts (2 of 4 stars). 2 submissions from 2 submitters: Uncertain significance (2). Last evaluated 2024-12-02.

Conditions:
Hypersulfaturia (HYSULF). Identifiers: MedGen C5830511, MONDO:0957268, OMIM 620372.
Nephrolithiasis susceptibility caused by SLC26A1 (CAON1). Also called: NEPHROLITHIASIS, CALCIUM OXALATE, 1. Identifiers: MedGen C5779632, MONDO:0020722, OMIM 167030.

Allele frequency attached by ClinVar (database versions not stated): TOPMed 0.00002.
gnomAD v4.1: 13 of 1,612,894 alleles (0.00081%); highest among the groups gnomAD compares: Admixed American, 0.013%; no homozygotes.

Submissions (2):

Labcorp Genetics (formerly Invitae), Labcorp
Classification: Uncertain significance. Last evaluated: 2024-12-02. Review status: criteria provided, single submitter. Criteria: Invitae Variant Classification Sherloc (09022015). Collection method: clinical testing. Allele origin: germline.
Comment: This sequence change replaces leucine, which is neutral and non-polar, with valine, which is neutral and non-polar, at codon 114 of the SLC26A1 protein (p.Leu114Val). This variant is present in population databases (rs751317363, gnomAD 0.02%). This variant has not been reported in the literature in individuals affected with SLC26A1-related conditions. ClinVar contains an entry for this variant (Variation ID: 2185997). Invitae Evidence Modeling of protein sequence and biophysical properties (such as structural, functional, and spatial information, amino acid conservation, physicochemical variation, residue mobility, and thermodynamic stability) indicates that this missense variant is not expected to disrupt SLC26A1 protein function with a negative predictive value of 80%. In summary, the available evidence is currently insufficient to determine the role of this variant in disease. Therefore, it has been classified as a Variant of Uncertain Significance.

Fulgent Genetics
Classification: Uncertain significance for Nephrolithiasis susceptibility caused by SLC26A1; Hypersulfaturia. Last evaluated: 2024-05-27. Review status: criteria provided, single submitter. Criteria: ACMG Guidelines, 2015. Collection method: clinical testing. Allele origin: germline.

NM_022042.4(SLC26A1):c.340C>G (p.Leu114Val)

Genes: IDUA (alpha-L-iduronidase; plus strand), SLC26A1 (solute carrier family 26 member 1; minus strand). Cytogenetic location: 4p16.3.
Variant type: single nucleotide variant.
Coding change: c.340C>G on transcript NM_022042.4 (MANE Select); coding-DNA position 340, C replaced by G.
Protein change: p.Leu114Val; replaces leucine 114 with valine.
Molecular consequence: missense variant. On other transcripts: intron variant (1).
Genome position (GRCh38, 1-based): chr4:991,364, G>C on the plus strand (C>G on the coding strand, the complement: SLC26A1 is on the minus strand). VCF-style: chr4-991364-G-C. GRCh37 (hg19) VCF-style: chr4-985152-G-C.
Other names: c.340C>G, p.Leu114Val (NM_134425.4, NM_213613.4); c.299+3415G>C (NM_000203.5); short protein forms L114V.
Identifiers: ClinVar variation 2185997 (VCV002185997.5), dbSNP rs751317363, ClinGen allele CA2801695.
Genomic context (GRCh38, chr4:991,364, plus strand): 5'-CCACCATGAGGCAAAGCAGGCTGAAGATGCCCACGGAGACATGCCGTGAGGTGCCCATGA[G>C]GAAGTAGATGAGGTTGGCGAAGAAGGACGTATAGAGGCTGTAGATGGGCTGCAGCCCGGC-3'
Protein context (NP_071325.2, residues 104-124): TSFFANLIYF[Leu114Val]MGTSRHVSVG